The following is an entry in ClinVar:

NM_004068.4(AP2M1):c.429+6C>G

Gene: AP2M1 (adaptor related protein complex 2 subunit mu 1; plus strand). Cytogenetic location: 3q27.1.
Variant type: single nucleotide variant.
Coding change: c.429+6C>G on transcript NM_004068.4 (MANE Select); 6 bases into the intron after coding-DNA position 429, C replaced by G.
Molecular consequence: intron variant.
Genome position (GRCh38, 1-based): chr3:184,180,656, C>G. VCF-style: chr3-184180656-C-G. GRCh37 (hg19) VCF-style: chr3-183898444-C-G.
Other names: c.504+6C>G (NM_001311198.2); c.424-193C>G (NM_001025205.2).
Identifiers: ClinVar variation 1345896 (VCV001345896.6), dbSNP rs1715244436, ClinGen allele CA355423326.

ClinVar aggregate classification (germline): Uncertain significance (1 of 4 stars; one submission).

gnomAD v4.1: 22 of 1,614,244 alleles (0.0014%); highest among the groups gnomAD compares: Non-Finnish European, 0.0019%; no homozygotes.

Submission:

Labcorp Genetics (formerly Invitae), Labcorp
Classification: Uncertain significance. Last evaluated: 2023-10-28. Review status: criteria provided, single submitter. Criteria: Invitae Variant Classification Sherloc (09022015). Collection method: clinical testing. Allele origin: germline.
Comment: This sequence change falls in intron 5 of the AP2M1 gene. It does not directly change the encoded amino acid sequence of the AP2M1 protein. It affects a nucleotide within the consensus splice site. This variant is not present in population databases (gnomAD no frequency). This variant has not been reported in the literature in individuals affected with AP2M1-related conditions. ClinVar contains an entry for this variant (Variation ID: 1345896). Variants that disrupt the consensus splice site are a relatively common cause of aberrant splicing (PMID: 17576681, 9536098). Algorithms developed to predict the effect of sequence changes on RNA splicing suggest that this variant is not likely to affect RNA splicing. In summary, the available evidence is currently insufficient to determine the role of this variant in disease. Therefore, it has been classified as a Variant of Uncertain Significance.

Literature cited by the submitters: PubMed 17576681; PubMed 9536098.